The following is an entry in ClinVar:

NM_015559.3(SETBP1):c.3183G>A (p.Met1061Ile)

Gene: SETBP1 (SET binding protein 1; plus strand). Cytogenetic location: 18q12.3.
Variant type: single nucleotide variant.
Coding change: c.3183G>A on transcript NM_015559.3 (MANE Select); coding-DNA position 3183, G replaced by A.
Protein change: p.Met1061Ile; replaces methionine 1061 with isoleucine.
Molecular consequence: missense variant.
Genome position (GRCh38, 1-based): chr18:44,952,523, G>A. VCF-style: chr18-44952523-G-A. GRCh37 (hg19) VCF-style: chr18-42532488-G-A.
Other names: c.3183G>A, p.Met1061Ile (NM_001379141.1, NM_001379142.1, NM_001410862.1); short protein forms M1061I.
Identifiers: ClinVar variation 2811359 (VCV002811359.3), dbSNP rs2511474903, ClinGen allele CA402323774.

ClinVar aggregate classification (germline): Uncertain significance (1 of 4 stars; one submission).

Allele frequency attached by ClinVar (database versions not stated): gnomAD exomes 0.00001.

Submission:

Labcorp Genetics (formerly Invitae), Labcorp
Classification: Uncertain significance. Last evaluated: 2024-04-22. Review status: criteria provided, single submitter. Criteria: Invitae Variant Classification Sherloc (09022015). Collection method: clinical testing. Allele origin: germline.
Comment: This sequence change replaces methionine, which is neutral and non-polar, with isoleucine, which is neutral and non-polar, at codon 1061 of the SETBP1 protein (p.Met1061Ile). This variant is not present in population databases (gnomAD no frequency). This variant has not been reported in the literature in individuals affected with SETBP1-related conditions. Advanced modeling of protein sequence and biophysical properties (such as structural, functional, and spatial information, amino acid conservation, physicochemical variation, residue mobility, and thermodynamic stability) performed at Invitae indicates that this missense variant is not expected to disrupt SETBP1 protein function with a negative predictive value of 80%. In summary, the available evidence is currently insufficient to determine the role of this variant in disease. Therefore, it has been classified as a Variant of Uncertain Significance.